The following is an entry in ClinVar:

NM_000138.5(FBN1):c.-181-192C>T

Gene: FBN1 (fibrillin 1; minus strand). Cytogenetic location: 15q21.1.
Variant type: single nucleotide variant.
Coding change: c.-181-192C>T on transcript NM_000138.5 (MANE Select); 192 bases into the intron before 181 bases upstream of the start codon, C replaced by T.
Molecular consequence: intron variant.
Genome position (GRCh38, 1-based): chr15:48,645,142, G>A on the plus strand (C>T on the coding strand, the complement: FBN1 is on the minus strand). VCF-style: chr15-48645142-G-A. GRCh37 (hg19) VCF-style: chr15-48937339-G-A.
Identifiers: ClinVar variation 678485 (VCV000678485.1), dbSNP rs2070768, ClinGen allele CA14100199.

ClinVar aggregate classification (germline): Benign (1 of 4 stars; one submission).

Allele frequency attached by ClinVar (database versions not stated): gnomAD 0.54122 and 0.53615; 1000 Genomes Project 30x 0.44285; 1000 Genomes Project 0.45288; TOPMed 0.52401.
gnomAD v4.1: 82,446 of 152,240 alleles (54%); highest among the groups gnomAD compares: Non-Finnish European, 70%; 25,754 homozygotes.

Submission:

GeneDx
Classification: Benign. Last evaluated: 2018-06-14. Review status: criteria provided, single submitter. Criteria: GeneDx Variant Classification (06012015). Collection method: clinical testing. Allele origin: germline. Affected: yes.
Comment: This variant is considered likely benign or benign based on one or more of the following criteria: it is a conservative change, it occurs at a poorly conserved position in the protein, it is predicted to be benign by multiple in silico algorithms, and/or has population frequency not consistent with disease.